The following is an entry in ClinVar:

NM_013266.4(CTNNA3):c.1531+1G>T

Gene: CTNNA3 (catenin alpha 3; minus strand). Cytogenetic location: 10q21.3.
Variant type: single nucleotide variant.
Coding change: c.1531+1G>T on transcript NM_013266.4 (MANE Select); the canonical splice donor site of the intron after coding-DNA position 1531, G replaced by T.
Molecular consequence: splice donor variant.
Genome position (GRCh38, 1-based): chr10:66,520,616, C>A on the plus strand (G>T on the coding strand, the complement: CTNNA3 is on the minus strand). VCF-style: chr10-66520616-C-A. GRCh37 (hg19) VCF-style: chr10-68280374-C-A.
Other names: c.1531+1G>T (NM_001127384.3).
Identifiers: ClinVar variation 2080581 (VCV002080581.4), dbSNP rs1416619191, ClinGen allele CA377091182.

ClinVar aggregate classification (germline): Uncertain significance (1 of 4 stars; one submission).

Conditions:
Arrhythmogenic right ventricular dysplasia 13. Also called: ARRHYTHMOGENIC RIGHT VENTRICULAR CARDIOMYOPATHY 13; Arrhythmogenic right ventricular dysplasia, familial, 13. Identifiers: MedGen C3810138, MONDO:0000908, OMIM 615616.

Submission:

Labcorp Genetics (formerly Invitae), Labcorp
Classification: Uncertain significance for Arrhythmogenic right ventricular dysplasia 13. Last evaluated: 2022-01-12. Review status: criteria provided, single submitter. Criteria: Invitae Variant Classification Sherloc (09022015). Collection method: clinical testing. Allele origin: germline.
Comment: This variant has not been reported in the literature in individuals affected with CTNNA3-related conditions. This sequence change affects a donor splice site in intron 11 of the CTNNA3 gene. It is expected to disrupt RNA splicing. Variants that disrupt the donor or acceptor splice site typically lead to a loss of protein function (PMID: 16199547), however the current clinical and genetic evidence is not sufficient to establish whether loss-of-function variants in CTNNA3 cause disease. This variant is not present in population databases (gnomAD no frequency). Algorithms developed to predict the effect of sequence changes on RNA splicing suggest that this variant may disrupt the consensus splice site. In summary, the available evidence is currently insufficient to determine the role of this variant in disease. Therefore, it has been classified as a Variant of Uncertain Significance.

Literature cited by the submitters: PubMed 16199547.